The following is an entry in ClinVar:

ClinVar aggregate classification (germline): Uncertain significance (1 of 4 stars; one submission).

Submission:

Ambry Genetics
Classification: Uncertain significance. Last evaluated: 2024-01-25. Review status: criteria provided, single submitter. Criteria: Ambry Variant Classification Scheme 2023. Collection method: clinical testing. Allele origin: germline.
Comment: The p.R146L variant (also known as c.437G>T), located in coding exon 1 of the EGLN2 gene, results from a G to T substitution at nucleotide position 437. The arginine at codon 146 is replaced by leucine, an amino acid with dissimilar properties. This amino acid position is conserved. In addition, this alteration is predicted to be tolerated by in silico analysis. Since supporting evidence is limited at this time, the clinical significance of this alteration remains unclear.

NM_080732.4(EGLN2):c.437G>T (p.Arg146Leu)

Genes: EGLN2 (egl-9 family hypoxia inducible factor 2; plus strand), RAB4B-EGLN2 (RAB4B-EGLN2 readthrough (NMD candidate); plus strand). Cytogenetic location: 19q13.2.
Variant type: single nucleotide variant.
Coding change: c.437G>T on transcript NM_080732.4 (MANE Select); coding-DNA position 437, G replaced by T.
Protein change: p.Arg146Leu; replaces arginine 146 with leucine.
Molecular consequence: missense variant. On other transcripts: non-coding transcript variant (1).
Genome position (GRCh38, 1-based): chr19:40,801,009, G>T. VCF-style: chr19-40801009-G-T. GRCh37 (hg19) VCF-style: chr19-41306914-G-T.
Other names: c.437G>T, p.Arg146Leu (NM_053046.4); short protein forms R146L.
Identifiers: ClinVar variation 1740150 (VCV001740150.2), dbSNP rs759048732, ClinGen allele CA405955253.